The following is an entry in ClinVar:

NM_001130144.3(LTBP3):c.2222C>G (p.Ala741Gly)

Genes: LTBP3 (latent transforming growth factor beta binding protein 3; minus strand), LOC130006030 (ATAC-STARR-seq lymphoblastoid silent region 3533; plus strand). Cytogenetic location: 11q13.1.
Variant type: single nucleotide variant.
Coding change: c.2222C>G on transcript NM_001130144.3 (MANE Select); coding-DNA position 2222, C replaced by G.
Protein change: p.Ala741Gly; replaces alanine 741 with glycine.
Molecular consequence: missense variant.
Genome position (GRCh38, 1-based): chr11:65,546,806, G>C on the plus strand (C>G on the coding strand, the complement: LTBP3 is on the minus strand). VCF-style: chr11-65546806-G-C. GRCh37 (hg19) VCF-style: chr11-65314277-G-C.
Other names: p.Ala741Gly; c.1871C>G, p.Ala624Gly (NM_001164266.1); c.2222C>G, p.Ala741Gly (NM_021070.4); short protein forms A741G, A624G.
Identifiers: ClinVar variation 532699 (VCV000532699.16), dbSNP rs148780991, ClinGen allele CA6100708.

ClinVar aggregate classification (germline): Benign/Likely benign. Review status: criteria provided, multiple submitters, no conflicts (2 of 4 stars). 4 submissions from 4 submitters: Benign (3); Likely benign (1). Last evaluated 2026-02-03.

Conditions:
Brachyolmia-amelogenesis imperfecta syndrome. Also called: Tooth agenesis, selective, 6; Dental anomalies and short stature; PLATYSPONDYLY WITH AMELOGENESIS IMPERFECTA. Identifiers: Orphanet 2899, MedGen C1832594, MONDO:0011018, OMIM 601216. Disease mechanism: loss of function.
Inborn genetic diseases. Identifiers: MedGen C0950123, MeSH D030342.

Allele frequency attached by ClinVar (database versions not stated): gnomAD 0.00840; 1000 Genomes Project 0.00879; 1000 Genomes Project 30x 0.00921; ESP Exome Variant Server 0.00989; TOPMed 0.01180; ExAC 0.00743.
gnomAD v4.1: 11,216 of 1,604,476 alleles (0.7%); highest among the groups gnomAD compares: Middle Eastern, 8.6%; 118 homozygotes.

Submissions (4):

Labcorp Genetics (formerly Invitae), Labcorp
Classification: Benign for Brachyolmia-amelogenesis imperfecta syndrome. Last evaluated: 2026-02-03. Review status: criteria provided, single submitter. Criteria: Invitae Variant Classification Sherloc (09022015). Collection method: clinical testing. Allele origin: germline.

Mayo Clinic Laboratories, Mayo Clinic
Classification: Benign. Last evaluated: 2023-02-24. Review status: criteria provided, single submitter. Criteria: ACMG Guidelines, 2015. Collection method: clinical testing. Allele origin: germline. Observed: 13 variant alleles.
Comment: BS1, BS2, BP4

Ambry Genetics
Classification: Likely benign for Inborn genetic diseases. Last evaluated: 2022-09-13. Review status: criteria provided, single submitter. Criteria: Ambry Variant Classification Scheme 2023. Collection method: clinical testing. Allele origin: germline.

Breakthrough Genomics
Classification: Benign. Review status: criteria provided, single submitter. Criteria: ACMG Guidelines, 2015. Collection method: not provided. Allele origin: germline. Inheritance: Autosomal recessive inheritance. Affected: yes.